The following is an entry in ClinVar:

ClinVar aggregate classification (germline): Uncertain significance (1 of 4 stars; one submission).

Conditions:
Rubinstein-Taybi syndrome due to EP300 haploinsufficiency. Also called: EP300-Related Rubinstein-Taybi Syndrome; RUBINSTEIN-TAYBI SYNDROME 2. Identifiers: Orphanet 353284, Orphanet 783, MedGen C3150941, MONDO:0013364, OMIM 613684.

Submission:

Labcorp Genetics (formerly Invitae), Labcorp
Classification: Uncertain significance for Rubinstein-Taybi syndrome due to EP300 haploinsufficiency. Last evaluated: 2022-08-22. Review status: criteria provided, single submitter. Criteria: Invitae Variant Classification Sherloc (09022015). Collection method: clinical testing. Allele origin: germline.
Comment: This sequence change replaces arginine, which is basic and polar, with glycine, which is neutral and non-polar, at codon 1104 of the EP300 protein (p.Arg1104Gly). This variant is not present in population databases (gnomAD no frequency). This variant has not been reported in the literature in individuals affected with EP300-related conditions. Advanced modeling of protein sequence and biophysical properties (such as structural, functional, and spatial information, amino acid conservation, physicochemical variation, residue mobility, and thermodynamic stability) performed at Invitae indicates that this missense variant is not expected to disrupt EP300 protein function. In summary, the available evidence is currently insufficient to determine the role of this variant in disease. Therefore, it has been classified as a Variant of Uncertain Significance.

NM_001429.4(EP300):c.3310A>G (p.Arg1104Gly)

Gene: EP300 (EP300 lysine acetyltransferase; plus strand). Cytogenetic location: 22q13.2.
Variant type: single nucleotide variant.
Coding change: c.3310A>G on transcript NM_001429.4 (MANE Select); coding-DNA position 3310, A replaced by G.
Protein change: p.Arg1104Gly; replaces arginine 1104 with glycine.
Molecular consequence: missense variant.
Genome position (GRCh38, 1-based): chr22:41,157,217, A>G. VCF-style: chr22-41157217-A-G. GRCh37 (hg19) VCF-style: chr22-41553221-A-G.
Other names: c.3232A>G, p.Arg1078Gly (NM_001362843.2); short protein forms R1078G, R1104G.
Identifiers: ClinVar variation 2026140 (VCV002026140.4), dbSNP rs2517806277, ClinGen allele CA411694631.